The following is an entry in ClinVar:

NC_000007.13:g.(?_117176587)_(117199719_?)dup

Gene: CFTR (CF transmembrane conductance regulator; plus strand). Cytogenetic location: 7q31.2.
Variant type: Duplication.
Identifiers: ClinVar variation 3245687 (VCV003245687.1).

ClinVar aggregate classification (germline): Pathogenic (1 of 4 stars; one submission).

Conditions:
Cystic fibrosis (CF). Also called: MUCOVISCIDOSIS. Identifiers: Orphanet 586, MedGen C0010674, MONDO:0009061, OMIM 219700. Disease mechanism: loss of function.

Submission:

Labcorp Genetics (formerly Invitae), Labcorp
Classification: Pathogenic for Cystic fibrosis. Last evaluated: 2023-12-11. Review status: criteria provided, single submitter. Criteria: Invitae Variant Classification Sherloc (09022015). Collection method: clinical testing. Allele origin: unknown.
Comment: This variant results in a copy number gain of the genomic region encompassing exon(s) 7-11 of the CFTR gene. While the exact position of this variant cannot be determined from the data, sub-genic copy number gains are generally in tandem (PMID: 25640679). This variant is predicted to be out-of-frame, and may result in an absent or disrupted protein product. Loss-of-function variants in CFTR are known to be pathogenic (PMID: 1695717, 7691345, 9725922). A similar copy number variant has been observed in individuals with cystic fibrosis (PMID: 17690208, 20052766; Invitae). For these reasons, this variant has been classified as Pathogenic.

Literature cited by the submitters: PubMed 25640679; PubMed 1695717; PubMed 7691345; PubMed 9725922; PubMed 17690208; PubMed 20052766.